The following is an entry in ClinVar:

NM_001174147.2(LMX1B):c.927C>G (p.Tyr309Ter)

Gene: LMX1B (LIM homeobox transcription factor 1 beta; plus strand). Cytogenetic location: 9q33.3.
Variant type: single nucleotide variant.
Coding change: c.927C>G on transcript NM_001174147.2 (MANE Select); coding-DNA position 927, C replaced by G.
Protein change: p.Tyr309Ter; replaces tyrosine 309 with a stop codon.
Molecular consequence: nonsense.
Genome position (GRCh38, 1-based): chr9:126,695,879, C>G. VCF-style: chr9-126695879-C-G. GRCh37 (hg19) VCF-style: chr9-129458158-C-G.
Other names: c.960C>G, p.Tyr320Ter (NM_001174146.2); c.927C>G, p.Tyr309Ter (NM_002316.4); short protein forms Y309*, Y320*.
Identifiers: ClinVar variation 4714086 (VCV004714086.1).

ClinVar aggregate classification (germline): Pathogenic (1 of 4 stars; one submission).

Submission:

Labcorp Genetics (formerly Invitae), Labcorp
Classification: Pathogenic. Last evaluated: 2025-02-27. Review status: criteria provided, single submitter. Criteria: Invitae Variant Classification Sherloc (09022015). Collection method: clinical testing. Allele origin: germline.
Comment: This sequence change creates a premature translational stop signal (p.Tyr309*) in the LMX1B gene. It is expected to result in an absent or disrupted protein product. Loss-of-function variants in LMX1B are known to be pathogenic (PMID: 9590287, 15498463). This variant is not present in population databases (gnomAD no frequency). This variant has not been reported in the literature in individuals affected with LMX1B-related conditions. Algorithms developed to predict the effect of sequence changes on RNA splicing suggest that this variant may create or strengthen a splice site. For these reasons, this variant has been classified as Pathogenic.

Literature cited by the submitters: PubMed 9590287; PubMed 15498463.